The following is an entry in ClinVar:

NM_004700.4(KCNQ4):c.261_269del (p.Tyr88_Val90del)

Gene: KCNQ4 (potassium voltage-gated channel subfamily Q member 4; plus strand). Cytogenetic location: 1p34.2.
Variant type: Deletion.
Coding change: c.261_269del on transcript NM_004700.4 (MANE Select); coding-DNA positions 261 to 269, 9 bases deleted (CTACAACGT; older notation c.261_269delCTACAACGT).
Protein change: p.Tyr88_Val90del.
Molecular consequence: inframe deletion.
Genome position (GRCh38, 1-based): chr1:40,784,354-40,784,362, CTACAACGT deleted; deleting any 9 consecutive bases within chr1:40,784,352-40,784,362 gives the same sequence; the c. name uses the placement nearest the transcript's 3' end. VCF-style (leftmost placement, unchanged base first): chr1-40784351-GGTCTACAAC-G. GRCh37 (hg19) VCF-style: chr1-41250023-GGTCTACAAC-G.
Other names: c.261_269del, p.Tyr88_Val90del (NM_172163.3).
Identifiers: ClinVar variation 625441 (VCV000625441.1), dbSNP rs1557977732, ClinGen allele CA913189306.

ClinVar aggregate classification (germline): Pathogenic (0 of 4 stars; one submission).

Conditions:
Autosomal dominant nonsyndromic hearing loss 2A. Also called: Deafness, autosomal dominant 2A; DFNA2 Nonsyndromic Hearing Loss; Autosomal dominant nonsyndromic deafness 2A. Identifiers: Orphanet 90635, MedGen C2677637, MONDO:0010817, OMIM 600101.

Submission:

Laboratory of Molecular Genetics, Brain Korea 21 PLUS Project for Medical Sciences, Yonsei University College of Medicine
Classification: Pathogenic for Autosomal dominant nonsyndromic hearing loss 2A. Last evaluated: 2017-12-07. Review status: no assertion criteria provided. Collection method: clinical testing. Allele origin: inherited. Inheritance: Autosomal dominant inheritance. Affected: yes.
Comment: In YUHL41 family, ADNSHL had a characteristic of high frequency hearing loss. Affected individuals had symmetric down sloping hearing loss up to 60 dB HL and hearing functions at 250 and 500 Hz were well preserved in all cases.